The following is an entry in ClinVar:

NM_004380.3(CREBBP):c.5208G>C (p.Lys1736Asn)

Gene: CREBBP (CREB binding protein; minus strand). Cytogenetic location: 16p13.3.
Variant type: single nucleotide variant.
Coding change: c.5208G>C on transcript NM_004380.3 (MANE Select); coding-DNA position 5208, G replaced by C.
Protein change: p.Lys1736Asn; replaces lysine 1736 with asparagine.
Molecular consequence: missense variant.
Genome position (GRCh38, 1-based): chr16:3,729,839, C>G on the plus strand (G>C on the coding strand, the complement: CREBBP is on the minus strand). VCF-style: chr16-3729839-C-G. GRCh37 (hg19) VCF-style: chr16-3779840-C-G.
Other names: c.5094G>C, p.Lys1698Asn (NM_001079846.1); short protein forms K1698N, K1736N.
Identifiers: ClinVar variation 1309652 (VCV001309652.2), dbSNP rs2151312522, ClinGen allele CA394557682.

ClinVar aggregate classification (germline): Uncertain significance (1 of 4 stars; one submission).

Submission:

GeneDx
Classification: Uncertain significance. Last evaluated: 2019-11-05. Review status: criteria provided, single submitter. Criteria: GeneDx Variant Classification Process June 2021. Collection method: clinical testing. Allele origin: germline. Affected: yes.
Comment: Not observed in large population cohorts (Lek et al., 2016); In silico analysis, which includes protein predictors and evolutionary conservation, supports a deleterious effect; Has not been previously published as pathogenic or benign to our knowledge